The following is an entry in ClinVar:

ClinVar aggregate classification (germline): Uncertain significance (1 of 4 stars; one submission).

gnomAD v4.1: 2 of 1,607,900 alleles (0.00012%); highest among the groups gnomAD compares: Non-Finnish European, 0.00017%; no homozygotes.

Submission:

Labcorp Genetics (formerly Invitae), Labcorp
Classification: Uncertain significance. Last evaluated: 2022-11-28. Review status: criteria provided, single submitter. Criteria: Invitae Variant Classification Sherloc (09022015). Collection method: clinical testing. Allele origin: germline.
Comment: In summary, the available evidence is currently insufficient to determine the role of this variant in disease. Therefore, it has been classified as a Variant of Uncertain Significance. Variants that disrupt the consensus splice site are a relatively common cause of aberrant splicing (PMID: 17576681, 9536098). Algorithms developed to predict the effect of sequence changes on RNA splicing suggest that this variant is not likely to affect RNA splicing. This variant has not been reported in the literature in individuals affected with SLC34A3-related conditions. This variant is not present in population databases (gnomAD no frequency). This sequence change falls in intron 11 of the SLC34A3 gene. It does not directly change the encoded amino acid sequence of the SLC34A3 protein. It affects a nucleotide within the consensus splice site.

Literature cited by the submitters: PubMed 17576681; PubMed 9536098.

NM_001177316.2(SLC34A3):c.1210+4A>G

Gene: SLC34A3 (solute carrier family 34 member 3; plus strand). Cytogenetic location: 9q34.3.
Variant type: single nucleotide variant.
Coding change: c.1210+4A>G on transcript NM_001177316.2 (MANE Select); 4 bases into the intron after coding-DNA position 1210, A replaced by G.
Molecular consequence: intron variant.
Genome position (GRCh38, 1-based): chr9:137,234,536, A>G. VCF-style: chr9-137234536-A-G. GRCh37 (hg19) VCF-style: chr9-140128988-A-G.
Other names: c.1210+4A>G (NM_001177317.2, NM_080877.3).
Identifiers: ClinVar variation 2788082 (VCV002788082.1), dbSNP rs2538814575, ClinGen allele CA645542227.
Genomic context (GRCh38, chr9:137,234,536, plus strand): 5'-TGACCTTCGCACTGCAGAGCAGCAGCGTCTTCACGGCGGCCGTCGTGCCCCTCATGGGTG[A>G]GCAGGCAGGACAGAGGCCTCGGGAACGGGGGCTCGGGCTGGGGTCCTGTGGTGACTCCCA-3'